The following is an entry in ClinVar:

ClinVar aggregate classification (germline): Uncertain significance (1 of 4 stars; one submission).

Conditions:
Idiopathic generalized epilepsy. Also called: Generalised epilepsy; EIG. Identifiers: MedGen C0270850, MONDO:0005579, OMIM 600669.
Hyperaldosteronism, familial, type IV (HALD4). Also called: FH IV; ALDOSTERONISM, PRIMARY, AND HYPERTENSION. Identifiers: Orphanet 642671, MedGen C4310756, MONDO:0014875, OMIM 617027.

Submission:

Labcorp Genetics (formerly Invitae), Labcorp
Classification: Uncertain significance for Idiopathic generalized epilepsy; Hyperaldosteronism, familial, type IV. Last evaluated: 2023-08-11. Review status: criteria provided, single submitter. Criteria: Invitae Variant Classification Sherloc (09022015). Collection method: clinical testing. Allele origin: germline.
Comment: In summary, the available evidence is currently insufficient to determine the role of this variant in disease. Therefore, it has been classified as a Variant of Uncertain Significance. Advanced modeling of protein sequence and biophysical properties (such as structural, functional, and spatial information, amino acid conservation, physicochemical variation, residue mobility, and thermodynamic stability) performed at Invitae indicates that this missense variant is not expected to disrupt CACNA1H protein function. This variant has not been reported in the literature in individuals affected with CACNA1H-related conditions. This variant is not present in population databases (gnomAD no frequency). This sequence change replaces aspartic acid, which is acidic and polar, with glycine, which is neutral and non-polar, at codon 1520 of the CACNA1H protein (p.Asp1520Gly).

NM_021098.3(CACNA1H):c.4559A>G (p.Asp1520Gly)

Gene: CACNA1H (calcium voltage-gated channel subunit alpha1 H; plus strand). Cytogenetic location: 16p13.3.
Variant type: single nucleotide variant.
Coding change: c.4559A>G on transcript NM_021098.3 (MANE Select); coding-DNA position 4559, A replaced by G.
Protein change: p.Asp1520Gly; replaces aspartic acid 1520 with glycine.
Molecular consequence: missense variant.
Genome position (GRCh38, 1-based): chr16:1,211,798, A>G. VCF-style: chr16-1211798-A-G. GRCh37 (hg19) VCF-style: chr16-1261798-A-G.
Other names: c.4559A>G, p.Asp1520Gly (NM_001005407.2); short protein forms D1520G.
Identifiers: ClinVar variation 2929662 (VCV002929662.3), dbSNP rs2548706520, ClinGen allele CA394180445.
Genomic context (GRCh38, chr16:1,211,798, plus strand): 5'-TGTCATCCAAGGATGGATGGGTGAACATCATGTACGACGGGCTGGATGCCGTGGGTGTCG[A>G]CCAGCAGGTGCGCACAGGCGGGTCGAGCTGGGTCACCTCAGGGTCTCCCGCGAGCGGCTG-3'
Protein context (NP_066921.2, residues 1510-1530): MYDGLDAVGV[Asp1520Gly]QQPVQNHNPW